The following is an entry in ClinVar:

ClinVar aggregate classification (germline): Uncertain significance (1 of 4 stars; one submission).

Conditions:
Cohen syndrome (COH1). Also called: PEPPER SYNDROME; Cutis verticis gyrata, retinitis pigmentosa, and sensorineural deafness. Identifiers: Orphanet 193, MedGen C0265223, MONDO:0008999, OMIM 216550.

Submission:

Juno Genomics, Hangzhou Juno Genomics, Inc
Classification: Uncertain significance for Cohen syndrome. Review status: criteria provided, single submitter. Criteria: ACMG Guidelines, 2015. Collection method: clinical testing. Allele origin: germline.
Comment: Absent from controls (or at extremely low frequency if recessive) in Genome Aggregation Database.;Multiple lines of computational evidence support a deleterious effect on the gene or gene product.

NM_152564.5(VPS13B):c.1651G>C (p.Gly551Arg)

Gene: VPS13B (vacuolar protein sorting 13 homolog B; plus strand). Cytogenetic location: 8q22.2.
Variant type: single nucleotide variant.
Coding change: c.1651G>C on transcript NM_152564.5 (MANE Select); coding-DNA position 1651, G replaced by C.
Protein change: p.Gly551Arg; replaces glycine 551 with arginine.
Molecular consequence: missense variant.
Genome position (GRCh38, 1-based): chr8:99,136,752, G>C. VCF-style: chr8-99136752-G-C. GRCh37 (hg19) VCF-style: chr8-100148980-G-C.
Other names: c.1651G>C, p.Gly551Arg (NM_015243.3, NM_017890.5); short protein forms G551R.
Identifiers: ClinVar variation 5007360 (VCV005007360.2).